The following is an entry in ClinVar:

NM_001009944.3(PKD1):c.12725_12756del (p.Gln4242fs)

Gene: PKD1 (polycystin 1, transient receptor potential channel interacting; minus strand). Cytogenetic location: 16p13.3.
Variant type: Deletion.
Coding change: c.12725_12756del on transcript NM_001009944.3 (MANE Select); coding-DNA positions 12725 to 12756, 32 bases deleted.
Protein change: p.Gln4242fs; shifts the reading frame from glutamine 4242.
Molecular consequence: frameshift variant.
Genome position (GRCh38, 1-based): chr16:2,089,883-2,089,914, 32 bases deleted; deleting any 32 consecutive bases within chr16:2,089,883-2,089,922 gives the same sequence; the c. name uses the placement nearest the transcript's 3' end. GRCh37 (hg19): chr16:2,139,892-2,139,923.
Other names: c.12722_12753del, p.Gln4241fs (NM_000296.4); short protein forms Q4241fs, Q4242fs.
Identifiers: ClinVar variation 3382946 (VCV003382946.2).

ClinVar aggregate classification (germline): Uncertain significance (1 of 4 stars; one submission).

Conditions:
Polycystic kidney disease, adult type (PKD1). Also called: POLYCYSTIC KIDNEY DISEASE, ADULT, TYPE I; Polycystic Kidney Disease 1, Autosomal Dominant; Polycystic kidney disease 1; Polycystic kidney disease 1, severe; Polycystic Kidney, Autosomal Dominant; POLYCYSTIC KIDNEY DISEASE 1 WITH OR WITHOUT POLYCYSTIC LIVER DISEASE. Identifiers: MedGen C3149841, MONDO:0008263, OMIM 173900.

Submission:

Juno Genomics, Hangzhou Juno Genomics, Inc
Classification: Uncertain significance for Polycystic kidney disease, adult type. Review status: criteria provided, single submitter. Criteria: ACMG Guidelines, 2015. Collection method: clinical testing. Allele origin: germline. Affected: yes.
Comment: Null variant in a gene where loss of function (LOF) is a known mechanism of disease.;Patient's phenotype or family history is highly specific for a disease with a single genetic etiology.